The following is an entry in ClinVar:

ClinVar aggregate classification (germline): Uncertain significance (1 of 4 stars; one submission).

Conditions:
Alagille syndrome due to a JAG1 point mutation. Also called: HEPATIC DUCTULAR HYPOPLASIA, SYNDROMATIC; Alagille Syndrome 1; JAG1-Related Alagille Syndrome. Identifiers: Orphanet 261619, Orphanet 52, MedGen C1956125, MONDO:0016862, OMIM 118450.

Submission:

Labcorp Genetics (formerly Invitae), Labcorp
Classification: Uncertain significance for Alagille syndrome due to a JAG1 point mutation. Last evaluated: 2025-03-12. Review status: criteria provided, single submitter. Criteria: Invitae Variant Classification Sherloc (09022015). Collection method: clinical testing. Allele origin: germline.
Comment: This sequence change replaces proline, which is neutral and non-polar, with alanine, which is neutral and non-polar, at codon 1190 of the JAG1 protein (p.Pro1190Ala). This variant is not present in population databases (gnomAD no frequency). This variant has not been reported in the literature in individuals affected with JAG1-related conditions. Invitae Evidence Modeling of protein sequence and biophysical properties (such as structural, functional, and spatial information, amino acid conservation, physicochemical variation, residue mobility, and thermodynamic stability) indicates that this missense variant is not expected to disrupt JAG1 protein function with a negative predictive value of 95%. In summary, the available evidence is currently insufficient to determine the role of this variant in disease. Therefore, it has been classified as a Variant of Uncertain Significance.

NM_000214.3(JAG1):c.3568C>G (p.Pro1190Ala)

Gene: JAG1 (jagged canonical Notch ligand 1; minus strand). Cytogenetic location: 20p12.2.
Variant type: single nucleotide variant.
Coding change: c.3568C>G on transcript NM_000214.3 (MANE Select); coding-DNA position 3568, C replaced by G.
Protein change: p.Pro1190Ala; replaces proline 1190 with alanine.
Molecular consequence: missense variant.
Genome position (GRCh38, 1-based): chr20:10,639,587, G>C on the plus strand (C>G on the coding strand, the complement: JAG1 is on the minus strand). VCF-style: chr20-10639587-G-C. GRCh37 (hg19) VCF-style: chr20-10620235-G-C.
Other names: short protein forms P1190A.
Identifiers: ClinVar variation 4803102 (VCV004803102.1).